The following is an entry in ClinVar:

NM_006949.4(STXBP2):c.1009C>T (p.Gln337Ter)

Gene: STXBP2 (syntaxin binding protein 2; plus strand). Cytogenetic location: 19p13.2.
Variant type: single nucleotide variant.
Coding change: c.1009C>T on transcript NM_006949.4 (MANE Select); coding-DNA position 1009, C replaced by T.
Protein change: p.Gln337Ter; replaces glutamine 337 with a stop codon.
Molecular consequence: nonsense. On other transcripts: non-coding transcript variant (1).
Genome position (GRCh38, 1-based): chr19:7,643,031, C>T. VCF-style: chr19-7643031-C-T. GRCh37 (hg19) VCF-style: chr19-7707917-C-T.
Other names: c.1000C>T, p.Gln334Ter (NM_001127396.3); c.1042C>T, p.Gln348Ter (NM_001272034.2); c.913C>T, p.Gln305Ter (NM_001414484.1); short protein forms Q348*, Q334*, Q305*, Q337*.
Identifiers: ClinVar variation 2185136 (VCV002185136.4), dbSNP rs2512700296, ClinGen allele CA403160641.

ClinVar aggregate classification (germline): Pathogenic (1 of 4 stars; one submission).

Conditions:
Familial hemophagocytic lymphohistiocytosis 5. Also called: STXBP2-Related Familial Hemophagocytic Lymphohistiocytosis (STXBP2-fHLH). Identifiers: Orphanet 540, MedGen C2751293, MONDO:0013135, OMIM 613101.

Submission:

Labcorp Genetics (formerly Invitae), Labcorp
Classification: Pathogenic for Familial hemophagocytic lymphohistiocytosis 5. Last evaluated: 2025-12-13. Review status: criteria provided, single submitter. Criteria: Invitae Variant Classification Sherloc (09022015). Collection method: clinical testing. Allele origin: germline.
Comment: This sequence change creates a premature translational stop signal (p.Gln337*) in the STXBP2 gene. It is expected to result in an absent or disrupted protein product. Loss-of-function variants in STXBP2 are known to be pathogenic (PMID: 19804848, 22451424). This variant is not present in population databases (gnomAD no frequency). This variant has not been reported in the literature in individuals affected with STXBP2-related conditions. ClinVar contains an entry for this variant (Variation ID: 2185136). For these reasons, this variant has been classified as Pathogenic.

Literature cited by the submitters: PubMed 19804848; PubMed 22451424.